The following is an entry in ClinVar:

ClinVar aggregate classification (germline): Benign (1 of 4 stars; one submission).

gnomAD v4.1: 16,662 of 1,220,936 alleles (1.4%); highest among the groups gnomAD compares: Middle Eastern, 2.1%; 253 homozygotes.

Submission:

CeGaT Center for Human Genetics Tuebingen
Classification: Benign. Last evaluated: 2026-05-01. Review status: criteria provided, single submitter. Criteria: CeGaT Center For Human Genetics Tuebingen Variant Classification Criteria Version 2. Collection method: clinical testing. Allele origin: germline. Affected: yes. Observed: 4 variant alleles.
Comment: KIAA0754: BP4, BS1, BS2

NM_001394062.1(MACF1):c.15817-8634G>C

Genes: KIAA0754 (KIAA0754; plus strand), MACF1 (microtubule actin crosslinking factor 1; plus strand). Cytogenetic location: 1p34.3.
Variant type: single nucleotide variant.
Coding change: c.15817-8634G>C on transcript NM_001394062.1 (MANE Select); 8634 bases into the intron before coding-DNA position 15817, G replaced by C.
Molecular consequence: intron variant. On other transcripts: missense variant (1).
Genome position (GRCh38, 1-based): chr1:39,413,740, G>C. VCF-style: chr1-39413740-G-C. GRCh37 (hg19) VCF-style: chr1-39879412-G-C.
Other names: c.3475G>C, p.Ala1159Pro (NM_001397473.1); c.9631-8634G>C (NM_012090.5); short protein forms A1159P.
Identifiers: ClinVar variation 3387847 (VCV003387847.14).